The following is an entry in ClinVar:

ClinVar aggregate classification (germline): Uncertain significance (1 of 4 stars; one submission).

Conditions:
Spastic paraplegia. Identifiers: MedGen C0037772, HP:0001258.

Allele frequency attached by ClinVar (database versions not stated): gnomAD exomes 0.00001.
gnomAD v4.1: 3 of 1,614,096 alleles (0.00019%); highest among the groups gnomAD compares: Non-Finnish European, 0.00017%; no homozygotes.

Submission:

Labcorp Genetics (formerly Invitae), Labcorp
Classification: Uncertain significance for Spastic paraplegia. Last evaluated: 2021-08-27. Review status: criteria provided, single submitter. Criteria: Invitae Variant Classification Sherloc (09022015). Collection method: clinical testing. Allele origin: germline.
Comment: This sequence change replaces histidine with arginine at codon 1647 of the ZFYVE26 protein (p.His1647Arg). The histidine residue is moderately conserved and there is a small physicochemical difference between histidine and arginine. This variant is not present in population databases (ExAC no frequency). This variant has not been reported in the literature in individuals affected with ZFYVE26-related conditions. Algorithms developed to predict the effect of missense changes on protein structure and function output the following: SIFT: "Tolerated"; PolyPhen-2: "Benign"; Align-GVGD: "Class C0". The arginine amino acid residue is found in multiple mammalian species, which suggests that this missense change does not adversely affect protein function. In summary, the available evidence is currently insufficient to determine the role of this variant in disease. Therefore, it has been classified as a Variant of Uncertain Significance.

NM_015346.4(ZFYVE26):c.4940A>G (p.His1647Arg)

Gene: ZFYVE26 (zinc finger FYVE-type containing 26; minus strand). Cytogenetic location: 14q24.1.
Variant type: single nucleotide variant.
Coding change: c.4940A>G on transcript NM_015346.4 (MANE Select); coding-DNA position 4940, A replaced by G.
Protein change: p.His1647Arg; replaces histidine 1647 with arginine.
Molecular consequence: missense variant.
Genome position (GRCh38, 1-based): chr14:67,777,593, T>C on the plus strand (A>G on the coding strand, the complement: ZFYVE26 is on the minus strand). VCF-style: chr14-67777593-T-C. GRCh37 (hg19) VCF-style: chr14-68244310-T-C.
Other names: short protein forms H1647R.
Identifiers: ClinVar variation 1402551 (VCV001402551.5), dbSNP rs2039378790, ClinGen allele CA390168674.